The following is an entry in ClinVar:

ClinVar aggregate classification (germline): Uncertain significance (1 of 4 stars; one submission).

Allele frequency attached by ClinVar (database versions not stated): gnomAD exomes below 0.00001.
gnomAD v4.1: 1 of 1,504,926 alleles (0.000066%); highest among the groups gnomAD compares: Non-Finnish European, 0.000088%; no homozygotes.

Submission:

Labcorp Genetics (formerly Invitae), Labcorp
Classification: Uncertain significance. Last evaluated: 2022-07-13. Review status: criteria provided, single submitter. Criteria: Invitae Variant Classification Sherloc (09022015). Collection method: clinical testing. Allele origin: germline.
Comment: This sequence change replaces tyrosine, which is neutral and polar, with phenylalanine, which is neutral and non-polar, at codon 195 of the ARID1A protein (p.Tyr195Phe). This variant is not present in population databases (gnomAD no frequency). This variant has not been reported in the literature in individuals affected with ARID1A-related conditions. Advanced modeling of protein sequence and biophysical properties (such as structural, functional, and spatial information, amino acid conservation, physicochemical variation, residue mobility, and thermodynamic stability) performed at Invitae indicates that this missense variant is not expected to disrupt ARID1A protein function. In summary, the available evidence is currently insufficient to determine the role of this variant in disease. Therefore, it has been classified as a Variant of Uncertain Significance.

NM_006015.6(ARID1A):c.584A>T (p.Tyr195Phe)

Gene: ARID1A (AT-rich interaction domain 1A; plus strand). Cytogenetic location: 1p36.11.
Variant type: single nucleotide variant.
Coding change: c.584A>T on transcript NM_006015.6 (MANE Select); coding-DNA position 584, A replaced by T.
Protein change: p.Tyr195Phe; replaces tyrosine 195 with phenylalanine.
Molecular consequence: missense variant.
Genome position (GRCh38, 1-based): chr1:26,696,987, A>T. VCF-style: chr1-26696987-A-T. GRCh37 (hg19) VCF-style: chr1-27023478-A-T.
Other names: c.584A>T, p.Tyr195Phe (NM_139135.4); short protein forms Y195F.
Identifiers: ClinVar variation 2016583 (VCV002016583.4), dbSNP rs2124742570, ClinGen allele CA339265701.